The following continues an entry in ClinVar:

NM_000350.3(ABCA4):c.5461-10T>C

Gene: ABCA4. ClinVar aggregate classification (germline): Pathogenic. Pathogenic (1).

Submissions 26 to 46 of 46:

ARUP Laboratories, Molecular Genetics and Genomics, ARUP Laboratories
Classification: Likely pathogenic. Last evaluated: 2018-09-23. Review status: criteria provided, single submitter. Criteria: ARUP Molecular Germline Variant Investigation Process. Collection method: clinical testing. Allele origin: germline. Not counted in ClinVar's aggregate classification.

Eurofins Ntd Llc (ga)
Classification: Pathogenic. Last evaluated: 2017-05-24. Review status: criteria provided, single submitter. Criteria: EGL Classification Definitions. Collection method: clinical testing. Allele origin: germline. Observed: 12 variant alleles, 12 heterozygotes. Not counted in ClinVar's aggregate classification.

Institute of Human Genetics, Univ. Regensburg, Univ. Regensburg
Classification: Pathogenic for Severe early-childhood-onset retinal dystrophy. Last evaluated: 2016-01-01. Review status: criteria provided, single submitter. Criteria: Schulz et al. (Invest Ophthalmol Vis Sci. 2017). Collection method: clinical testing. Allele origin: germline. Affected: yes. Observed: 21 heterozygotes, 1 homozygote. Not counted in ClinVar's aggregate classification.

Genomics England Pilot Project, Genomics England
Classification: Pathogenic for Retinitis pigmentosa 19. Review status: criteria provided, single submitter. Criteria: ACGS Guidelines, 2016. Collection method: clinical testing. Allele origin: germline. Affected: yes. Not counted in ClinVar's aggregate classification.

Department of Clinical Genetics, Copenhagen University Hospital, Rigshospitalet
Classification: Pathogenic for Retinitis pigmentosa. Last evaluated: 2018-04-01. Review status: no assertion criteria provided. Collection method: research. Allele origin: unknown. Affected: yes. Study: VeluxRD. Not counted in ClinVar's aggregate classification.

Department of Clinical Genetics, Copenhagen University Hospital, Rigshospitalet
Classification: Pathogenic for Macular dystrophy. Last evaluated: 2018-04-01. Review status: no assertion criteria provided. Collection method: research. Allele origin: unknown. Affected: yes. Study: VeluxRD. Not counted in ClinVar's aggregate classification.

Department of Clinical Genetics, Copenhagen University Hospital, Rigshospitalet
Classification: Pathogenic for Stargardt disease. Last evaluated: 2018-04-01. Review status: no assertion criteria provided. Collection method: research. Allele origin: unknown. Affected: yes. Study: VeluxRD. Not counted in ClinVar's aggregate classification.

Joint Genome Diagnostic Labs from Nijmegen and Maastricht, Radboudumc and MUMC+
Classification: Pathogenic for Age related macular degeneration 2. Last evaluated: 2016-09-01. Review status: no assertion criteria provided. Collection method: clinical testing. Allele origin: unknown. Affected: yes. Observed: 2 variant alleles. Not counted in ClinVar's aggregate classification.

Division of Human Genetics, Children's Hospital of Philadelphia
Classification: Pathogenic for Cone-rod dystrophy 3. Last evaluated: 2016-02-23. Review status: no assertion criteria provided. Collection method: research. Allele origin: germline. Study: CSER-PediSeq. Not counted in ClinVar's aggregate classification.

Centre for Genomic Medicine, Manchester, Central Manchester University Hospitals
Classification: Likely pathogenic for Retinal dystrophy. Last evaluated: 2015-01-21. Review status: no assertion criteria provided. Collection method: clinical testing. Allele origin: germline. Affected: yes. Not counted in ClinVar's aggregate classification.

Centre for Genomic Medicine, Manchester, Central Manchester University Hospitals
Classification: Likely pathogenic for Bull's eye maculopathy. Last evaluated: 2015-01-19. Review status: no assertion criteria provided. Collection method: clinical testing. Allele origin: germline. Affected: yes. Not counted in ClinVar's aggregate classification.

NIHR Bioresource Rare Diseases, University of Cambridge
Classification: Likely pathogenic for Macular dystrophy. Last evaluated: 2015-01-01. Review status: no assertion criteria provided. Collection method: research. Allele origin: unknown. Affected: yes. Observed: 1 variant allele. Not counted in ClinVar's aggregate classification.

NIHR Bioresource Rare Diseases, University of Cambridge
Classification: Likely pathogenic for Retinal dystrophy. Last evaluated: 2015-01-01. Review status: no assertion criteria provided. Collection method: research. Allele origin: unknown. Affected: yes. Observed: 5 variant alleles. Not counted in ClinVar's aggregate classification.

NIHR Bioresource Rare Diseases, University of Cambridge
Classification: Likely pathogenic. Last evaluated: 2015-01-01. Review status: no assertion criteria provided. Collection method: research. Allele origin: unknown. Affected: yes. Observed: 10 variant alleles. Not counted in ClinVar's aggregate classification.

OMIM
Classification: Pathogenic for CONE-ROD DYSTROPHY 3. Last evaluated: 2008-07-01. Review status: no assertion criteria provided. Collection method: literature only. Allele origin: germline. Not counted in ClinVar's aggregate classification.

Clinical Genetics DNA and cytogenetics Diagnostics Lab, Erasmus MC, Erasmus Medical Center
Classification: Pathogenic. Review status: no assertion criteria provided. Collection method: clinical testing. Allele origin: germline. Affected: yes. Study: VKGL Data-share Consensus. Not counted in ClinVar's aggregate classification.

Clinical Genetics, Academic Medical Center
Classification: Pathogenic. Review status: no assertion criteria provided. Collection method: clinical testing. Allele origin: germline. Affected: yes. Study: VKGL Data-share Consensus. Not counted in ClinVar's aggregate classification.

Genome Diagnostics Laboratory, Amsterdam University Medical Center
Classification: Pathogenic. Review status: no assertion criteria provided. Collection method: clinical testing. Allele origin: germline. Affected: yes. Study: VKGL Data-share Consensus. Not counted in ClinVar's aggregate classification.

Human Development and Health, University of Southampton
No classification provided (evidence only). Review status: no classification provided. Collection method: in vitro. Allele origin: not applicable. Functional consequence: functionally_normal. Not counted in ClinVar's aggregate classification.
ClinVar note: "not provided" was previously submitted as the classification for the variant. However, the classification appeared to be based only on an observation of functional data so it was converted to no classification on 2025-07-30.

Ophthalmo-Genetics Lab, Instituto de Oftalmologia Conde de Valenciana
Classification: Pathogenic for Severe early-childhood-onset retinal dystrophy. Review status: no assertion criteria provided. Collection method: research. Allele origin: germline. Inheritance: Autosomal recessive inheritance. Affected: yes. Not counted in ClinVar's aggregate classification.

Retina International
No classification provided. Review status: no classification provided. Collection method: not provided. Allele origin: unknown. Not counted in ClinVar's aggregate classification.

Literature cited by the submitters: PubMed 10958763 (cited by 4 submitters); PubMed 22328824 (cited by 4 submitters); PubMed 23443024 (cited by 3 submitters); PubMed 23695285 (cited by 5 submitters); PubMed 29310964 (cited by 4 submitters); PubMed 26976702 (cited by 4 submitters); PubMed 27775217 (cited by 5 submitters); PubMed 29461686 (cited by 5 submitters); PubMed 15614537 (cited by 4 submitters); PubMed 28559085 (cited by Ambry Genetics); PubMed 29925512 (cited by 4 submitters); PubMed 35076026 (cited by Ambry Genetics and Institute of Human Genetics, Univ. Regensburg, Univ. Regensburg); PubMed 31522899 (cited by Victorian Clinical Genetics Services, Murdoch Childrens Research Institute); PubMed 31766579 (cited by Victorian Clinical Genetics Services, Murdoch Childrens Research Institute); PubMed 36209838 (cited by Victorian Clinical Genetics Services, Murdoch Childrens Research Institute and Institute of Human Genetics, Univ. Regensburg, Univ. Regensburg); PubMed 36909829 (cited by Ophthalmic Genetics Group, Institute of Molecular and Clinical Ophthalmology Basel); PubMed 19074458 (cited by 3 submitters); PubMed 20696155 (cited by 3 submitters); PubMed 22264887 (cited by 3 submitters); PubMed 25082885 (cited by 3 submitters); PubMed 24713488 (cited by 3 submitters); PubMed 23591405 (cited by 3 submitters); PubMed 25097241 (cited by 3 submitters); PubMed 26261413 (cited by Institute of Human Genetics, Univ. Regensburg, Univ. Regensburg and Ocular Genomics Institute, Massachusetts Eye and Ear); PubMed 25525159 (cited by Institute of Human Genetics, Univ. Regensburg, Univ. Regensburg and Ocular Genomics Institute, Massachusetts Eye and Ear); PubMed 28118664 (cited by Institute of Human Genetics, Univ. Regensburg, Univ. Regensburg and Ocular Genomics Institute, Massachusetts Eye and Ear); PubMed 28341476 (cited by Institute of Human Genetics, Univ. Regensburg, Univ. Regensburg); PubMed 29555955 (cited by Institute of Human Genetics, Univ. Regensburg, Univ. Regensburg); PubMed 30204727 (cited by Institute of Human Genetics, Univ. Regensburg, Univ. Regensburg); PubMed 30093795 (cited by Institute of Human Genetics, Univ. Regensburg, Univ. Regensburg); PubMed 29162642 (cited by Institute of Human Genetics, Univ. Regensburg, Univ. Regensburg); PubMed 28947085 (cited by Institute of Human Genetics, Univ. Regensburg, Univ. Regensburg); PubMed 30576320 (cited by Institute of Human Genetics, Univ. Regensburg, Univ. Regensburg and Ocular Genomics Institute, Massachusetts Eye and Ear); PubMed 31589614 (cited by Institute of Human Genetics, Univ. Regensburg, Univ. Regensburg); PubMed 30718709 (cited by 3 submitters); PubMed 31618761 (cited by Institute of Human Genetics, Univ. Regensburg, Univ. Regensburg); PubMed 30643219 (cited by Institute of Human Genetics, Univ. Regensburg, Univ. Regensburg); PubMed 32619608 (cited by Institute of Human Genetics, Univ. Regensburg, Univ. Regensburg); PubMed 32467599 (cited by Institute of Human Genetics, Univ. Regensburg, Univ. Regensburg); PubMed 31964843 (cited by Institute of Human Genetics, Univ. Regensburg, Univ. Regensburg); PubMed 31429209 (cited by Institute of Human Genetics, Univ. Regensburg, Univ. Regensburg); PubMed 31980526 (cited by Institute of Human Genetics, Univ. Regensburg, Univ. Regensburg); PubMed 32783370 (cited by Institute of Human Genetics, Univ. Regensburg, Univ. Regensburg); PubMed 32581362 (cited by Institute of Human Genetics, Univ. Regensburg, Univ. Regensburg); PubMed 32531858 (cited by Institute of Human Genetics, Univ. Regensburg, Univ. Regensburg); PubMed 32141364 (cited by Institute of Human Genetics, Univ. Regensburg, Univ. Regensburg); PubMed 33706644 (cited by Institute of Human Genetics, Univ. Regensburg, Univ. Regensburg); PubMed 34198153 (cited by Institute of Human Genetics, Univ. Regensburg, Univ. Regensburg); PubMed 34570182 (cited by Institute of Human Genetics, Univ. Regensburg, Univ. Regensburg); PubMed 33749171 (cited by Institute of Human Genetics, Univ. Regensburg, Univ. Regensburg); PubMed 34758253 (cited by Institute of Human Genetics, Univ. Regensburg, Univ. Regensburg); PubMed 33851411 (cited by Institute of Human Genetics, Univ. Regensburg, Univ. Regensburg); PubMed 36338671 (cited by Institute of Human Genetics, Univ. Regensburg, Univ. Regensburg); PubMed 35119454 (cited by Institute of Human Genetics, Univ. Regensburg, Univ. Regensburg); PubMed 36284670 (cited by Institute of Human Genetics, Univ. Regensburg, Univ. Regensburg); PubMed 36460718 (cited by Institute of Human Genetics, Univ. Regensburg, Univ. Regensburg); PubMed 35409265 (cited by Institute of Human Genetics, Univ. Regensburg, Univ. Regensburg); PubMed 35055178 (cited by Institute of Human Genetics, Univ. Regensburg, Univ. Regensburg); PubMed 35476365 (cited by Institute of Human Genetics, Univ. Regensburg, Univ. Regensburg); PubMed 36819107 (cited by Institute of Human Genetics, Univ. Regensburg, Univ. Regensburg); PubMed 28041643 (cited by Ocular Genomics Institute, Massachusetts Eye and Ear and NIHR Bioresource Rare Diseases, University of Cambridge); PubMed 26872967 (cited by Ocular Genomics Institute, Massachusetts Eye and Ear and Centre for Genomic Medicine, Manchester, Central Manchester University Hospitals); PubMed 18285826 (cited by Ocular Genomics Institute, Massachusetts Eye and Ear and OMIM); PubMed 36910710 (cited by Ophthalmo-Genetics Lab, Instituto de Oftalmologia Conde de Valenciana).